The following is an entry in ClinVar:

NM_000219.6(KCNE1):c.74G>C (p.Gly25Ala)

Gene: KCNE1 (potassium voltage-gated channel subfamily E regulatory subunit 1; minus strand). Cytogenetic location: 21q22.12.
Variant type: single nucleotide variant.
Coding change: c.74G>C on transcript NM_000219.6 (MANE Select); coding-DNA position 74, G replaced by C.
Protein change: p.Gly25Ala; replaces glycine 25 with alanine.
Molecular consequence: missense variant.
Genome position (GRCh38, 1-based): chr21:34,449,561, C>G on the plus strand (G>C on the coding strand, the complement: KCNE1 is on the minus strand). VCF-style: chr21-34449561-C-G. GRCh37 (hg19) VCF-style: chr21-35821859-C-G.
Other names: c.74G>C, p.Gly25Ala (NM_001127668.4, NM_001127669.4, NM_001127670.4 and 4 more transcripts); short protein forms G25A.
Identifiers: ClinVar variation 3373978 (VCV003373978.2).

Conditions:
Long QT syndrome 5 (LQT5). Identifiers: Orphanet 101016, Orphanet 768, MedGen C1867904, MONDO:0013372, OMIM 613695.

Submission:

Roden Lab, Vanderbilt University Medical Center
No classification provided (evidence only). Condition: Long QT syndrome 5. Review status: no classification provided. Collection method: in vitro. Allele origin: not applicable. Functional consequence: Effect on ion channel function.
ClinVar note: "not provided" was previously submitted as the classification for the variant. However, the classification appeared to be based only on an observation of functional data so it was converted to no classification on 2025-07-30.